The following is an entry in ClinVar:

ClinVar aggregate classification (germline): Likely benign (1 of 4 stars; one submission).

Allele frequency attached by ClinVar (database versions not stated): gnomAD exomes 0.00001; gnomAD 0.00003 and 0.00004; TOPMed 0.00003.
gnomAD v4.1: 8 of 402,770 alleles (0.002%); highest among the groups gnomAD compares: African/African-American, 0.0061%; no homozygotes.

Submission:

GeneDx
Classification: Likely benign. Last evaluated: 2016-04-12. Review status: criteria provided, single submitter. Criteria: GeneDx Variant Classification (06012015). Collection method: clinical testing. Allele origin: germline. Affected: yes.
Comment: This variant is considered likely benign or benign based on one or more of the following criteria: it is a conservative change, it occurs at a poorly conserved position in the protein, it is predicted to be benign by multiple in silico algorithms, and/or has population frequency not consistent with disease.

NM_001605.3(AARS1):c.-30C>T

Gene: AARS1 (alanyl-tRNA synthetase 1; minus strand). Cytogenetic location: 16q22.1.
Variant type: single nucleotide variant.
Coding change: c.-30C>T on transcript NM_001605.3 (MANE Select); 30 bases upstream of the start codon, C replaced by T.
Molecular consequence: 5 prime UTR variant.
Genome position (GRCh38, 1-based): chr16:70,289,429, G>A on the plus strand (C>T on the coding strand, the complement: AARS1 is on the minus strand). VCF-style: chr16-70289429-G-A. GRCh37 (hg19) VCF-style: chr16-70323332-G-A.
Identifiers: ClinVar variation 385362 (VCV000385362.1), dbSNP rs879444433, ClinGen allele CA16607388.